The following is an entry in ClinVar:

ClinVar aggregate classification (germline): Uncertain significance (1 of 4 stars; one submission).

gnomAD v4.1: 1 of 1,614,180 alleles (0.000062%); highest among the groups gnomAD compares: Non-Finnish European, 0.000085%; no homozygotes.

Submission:

GeneDx
Classification: Uncertain significance. Last evaluated: 2025-05-13. Review status: criteria provided, single submitter. Criteria: GeneDx Variant Classification Process June 2021. Collection method: clinical testing. Allele origin: germline. Affected: yes.
Comment: Not observed at significant frequency in large population cohorts (gnomAD); In silico analysis supports that this missense variant has a deleterious effect on protein structure/function; Has not been previously published as pathogenic or benign to our knowledge

NM_031889.3(ENAM):c.1537A>C (p.Ser513Arg)

Gene: ENAM (enamelin; plus strand). Cytogenetic location: 4q13.3.
Variant type: single nucleotide variant.
Coding change: c.1537A>C on transcript NM_031889.3 (MANE Select); coding-DNA position 1537, A replaced by C.
Protein change: p.Ser513Arg; replaces serine 513 with arginine.
Molecular consequence: missense variant.
Genome position (GRCh38, 1-based): chr4:70,642,963, A>C. VCF-style: chr4-70642963-A-C. GRCh37 (hg19) VCF-style: chr4-71508680-A-C.
Other names: c.883A>C, p.Ser295Arg (NM_001368133.1); short protein forms S295R, S513R.
Identifiers: ClinVar variation 4529840 (VCV004529840.1).